The following is an entry in ClinVar:

NM_003242.6(TGFBR2):c.1547C>A (p.Thr516Lys)

Gene: TGFBR2 (transforming growth factor beta receptor 2; plus strand). Cytogenetic location: 3p24.1.
Variant type: single nucleotide variant.
Coding change: c.1547C>A on transcript NM_003242.6 (MANE Select); coding-DNA position 1547, C replaced by A.
Protein change: p.Thr516Lys; replaces threonine 516 with lysine.
Molecular consequence: missense variant.
Genome position (GRCh38, 1-based): chr3:30,691,442, C>A. VCF-style: chr3-30691442-C-A. GRCh37 (hg19) VCF-style: chr3-30732934-C-A.
Other names: c.1622C>A, p.Thr541Lys (NM_001024847.3); c.1730C>A, p.Thr577Lys (NM_001407126.1); c.1655C>A, p.Thr552Lys (NM_001407127.1); c.1574C>A, p.Thr525Lys (NM_001407128.1); c.1550C>A, p.Thr517Lys (NM_001407129.1); c.1544C>A, p.Thr515Lys (NM_001407130.1); c.1442C>A, p.Thr481Lys (NM_001407132.1, NM_001407133.1, NM_001407134.1 and 2 more transcripts); c.1262C>A, p.Thr421Lys (NM_001407137.1); and 2 more; short protein forms T226K, T396K, T421K, T515K, T525K, T577K, T541K, T552K.
Identifiers: ClinVar variation 4747212 (VCV004747212.1).

ClinVar aggregate classification (germline): Pathogenic (1 of 4 stars; one submission).

Conditions:
Familial thoracic aortic aneurysm and aortic dissection (TAAD). Also called: Thoracic aortic aneurysms and dissections. Identifiers: Orphanet 91387, MedGen C4707243, MONDO:0019625.

Submission:

Labcorp Genetics (formerly Invitae), Labcorp
Classification: Pathogenic for Familial thoracic aortic aneurysm and aortic dissection. Last evaluated: 2025-08-04. Review status: criteria provided, single submitter. Criteria: Invitae Variant Classification Sherloc (09022015). Collection method: clinical testing. Allele origin: germline.
Comment: This sequence change replaces threonine, which is neutral and polar, with lysine, which is basic and polar, at codon 516 of the TGFBR2 protein (p.Thr516Lys). This variant is not present in population databases (gnomAD no frequency). This missense change has been observed in individual(s) with clinical features of Loeys-Dietz syndrome (PMID: 17979970). In at least one individual the variant was observed to be de novo. Invitae Evidence Modeling of protein sequence and biophysical properties (such as structural, functional, and spatial information, amino acid conservation, physicochemical variation, residue mobility, and thermodynamic stability) indicates that this missense variant is expected to disrupt TGFBR2 protein function with a positive predictive value of 95%. For these reasons, this variant has been classified as Pathogenic.

Literature cited by the submitters: PubMed 17979970.